The following is an entry in ClinVar:

ClinVar aggregate classification (germline): Pathogenic. Review status: criteria provided, single submitter (1 of 4 stars). 2 submissions from 2 submitters: Pathogenic (1). 1 of the submissions does not count toward it. Last evaluated 2025-06-01.

Conditions:
Alstrom syndrome (ALMS). Identifiers: Orphanet 64, MedGen C0268425, MONDO:0008763, OMIM 203800.

gnomAD v4.1: 1 of 1,614,020 alleles (0.000062%); highest among the groups gnomAD compares: East Asian, 0.0022%; no homozygotes.

Submissions (2):

Labcorp Genetics (formerly Invitae), Labcorp
Classification: Pathogenic for Alstrom syndrome. Last evaluated: 2025-06-01. Review status: criteria provided, single submitter. Criteria: Invitae Variant Classification Sherloc (09022015). Collection method: clinical testing. Allele origin: germline.
Comment: This sequence change creates a premature translational stop signal (p.Gln920*) in the ALMS1 gene. It is expected to result in an absent or disrupted protein product. Loss-of-function variants in ALMS1 are known to be pathogenic (PMID: 17594715). This variant is not present in population databases (gnomAD no frequency). This premature translational stop signal has been observed in individual(s) with Alstrom syndrome (PMID: 32451492). ClinVar contains an entry for this variant (Variation ID: 869104). For these reasons, this variant has been classified as Pathogenic.

Department of Neurology, Kindai University
Classification: Pathogenic for Alstrom syndrome. Last evaluated: 2020-03-24. Review status: no assertion criteria provided. Collection method: case-control. Allele origin: paternal. Affected: yes. Observed: 1 variant allele. Not counted in ClinVar's aggregate classification.

Literature cited by the submitters: PubMed 17594715 (cited by Labcorp Genetics (formerly Invitae), Labcorp); PubMed 32451492 (cited by Labcorp Genetics (formerly Invitae), Labcorp).

NM_001378454.1(ALMS1):c.2755C>T (p.Gln919Ter)

Gene: ALMS1 (ALMS1 centrosome and basal body associated protein; plus strand). Cytogenetic location: 2p13.1.
Variant type: single nucleotide variant.
Coding change: c.2755C>T on transcript NM_001378454.1 (MANE Select); coding-DNA position 2755, C replaced by T.
Protein change: p.Gln919Ter; replaces glutamine 919 with a stop codon.
Molecular consequence: nonsense.
Genome position (GRCh38, 1-based): chr2:73,449,282, C>T. VCF-style: chr2-73449282-C-T. GRCh37 (hg19) VCF-style: chr2-73676409-C-T.
Other names: c.2758C>T, p.Gln920Ter (NM_015120.4); short protein forms Q920*, Q919*.
Identifiers: ClinVar variation 869104 (VCV000869104.3), dbSNP rs1322100078, ClinGen allele CA347271804.